The following is an entry in ClinVar:

NM_004287.5(GOSR2):c.336C>T (p.Asn112=)

Genes: LRRC37A2 (leucine rich repeat containing 37 member A2), GOSR2 (golgi SNAP receptor complex member 2; plus strand). Cytogenetic location: 17q21.32.
Variant type: single nucleotide variant.
Coding change: c.336C>T on transcript NM_004287.5 (MANE Select); coding-DNA position 336, C replaced by T.
Protein change: p.Asn112=; no amino-acid change (asparagine 112 retained).
Molecular consequence: synonymous variant. On other transcripts: non-coding transcript variant (3).
Genome position (GRCh38, 1-based): chr17:46,932,199, C>T. VCF-style: chr17-46932199-C-T. GRCh37 (hg19) VCF-style: chr17-45009565-C-T.
Other names: c.336C>T, p.Asn112= (NM_001012511.3, NM_001321133.2, NM_001330252.2 and 1 more transcripts); c.282C>T, p.Asn94= (NM_001321134.2, NM_001363851.2); c.333C>T, p.Asn111= (NM_001353114.2, NM_001353115.2, NM_001353116.2).
Identifiers: ClinVar variation 934652 (VCV000934652.8), dbSNP rs755211944, ClinGen allele CA8621232.

ClinVar aggregate classification (germline): Conflicting classifications of pathogenicity. Review status: criteria provided, conflicting classifications (1 of 4 stars). 3 submissions from 3 submitters: Uncertain significance (2); Likely benign (1). Last evaluated 2022-08-09.

Conditions:
Progressive myoclonic epilepsy type 6. Identifiers: Orphanet 280620, MedGen C5190805, MONDO:0013526, OMIM 614018.
Inborn genetic diseases. Identifiers: MedGen C0950123, MeSH D030342.
Progressive myoclonic epilepsy. Also called: Familial progressive myoclonic epilepsy; Myoclonic Epilepsies, Progressive; Myoclonus epilepsy; Progressive myoclonus epilepsy. Identifiers: Orphanet 308, Orphanet 98261, MedGen C0751778, MONDO:0020074.

Allele frequency attached by ClinVar (database versions not stated): ExAC 0.00001; gnomAD exomes 0.00001; TOPMed 0.00002.
gnomAD v4.1: 16 of 1,614,026 alleles (0.00099%); highest among the groups gnomAD compares: East Asian, 0.0045%; no homozygotes.

Submissions (3):

Labcorp Genetics (formerly Invitae), Labcorp
Classification: Uncertain significance for Progressive myoclonic epilepsy. Last evaluated: 2022-08-09. Review status: criteria provided, single submitter. Criteria: Invitae Variant Classification Sherloc (09022015). Collection method: clinical testing. Allele origin: germline.
Comment: This sequence change affects codon 112 of the GOSR2 mRNA. It is a 'silent' change, meaning that it does not change the encoded amino acid sequence of the GOSR2 protein. It affects a nucleotide within the consensus splice site. This variant is present in population databases (rs755211944, gnomAD 0.003%). This variant has not been reported in the literature in individuals affected with GOSR2-related conditions. ClinVar contains an entry for this variant (Variation ID: 934652). Algorithms developed to predict the effect of sequence changes on RNA splicing suggest that this variant is not likely to affect RNA splicing. In summary, the available evidence is currently insufficient to determine the role of this variant in disease. Therefore, it has been classified as a Variant of Uncertain Significance.

Center for Genomics, Ann and Robert H. Lurie Children's Hospital of Chicago
Classification: Uncertain significance for Progressive myoclonic epilepsy type 6. Last evaluated: 2021-06-16. Review status: criteria provided, single submitter. Criteria: ACMG Guidelines, 2015. Collection method: clinical testing. Allele origin: germline.
Comment: GOSR2 NM_004287.4 exon 4 p.Asn112= (c.336C>T): This variant has not been reported in the literature and is not present in large control databases. This variant is present in ClinVar (Variation ID:034652). Evolutionary conservation and computational predictive tools for this variant are limited or unavailable. Of note, this variant is a silent variant and does not change the amino acid, reducing the probability that this variant is disease causing. However, this variant occurs in the last nucleotide of the exon; variants in this position may affect splicing. Splice prediction tools do not suggest that this variant may affect splicing. However, further studies are needed to understand its impact. In summary, data on this variant is insufficient for disease classification. Therefore, the clinical significance of this variant is uncertain.

Ambry Genetics
Classification: Likely benign for Inborn genetic diseases. Last evaluated: 2018-03-29. Review status: criteria provided, single submitter. Criteria: Ambry Variant Classification Scheme 2023. Collection method: clinical testing. Allele origin: germline.